The following is an entry in ClinVar:

NM_002485.5(NBN):c.1769G>A (p.Arg590Lys)

Gene: NBN (nibrin; minus strand). Cytogenetic location: 8q21.3.
Variant type: single nucleotide variant.
Coding change: c.1769G>A on transcript NM_002485.5 (MANE Select); coding-DNA position 1769, G replaced by A.
Protein change: p.Arg590Lys; replaces arginine 590 with lysine.
Molecular consequence: missense variant.
Genome position (GRCh38, 1-based): chr8:89,953,320, C>T on the plus strand (G>A on the coding strand, the complement: NBN is on the minus strand). VCF-style: chr8-89953320-C-T. GRCh37 (hg19) VCF-style: chr8-90965548-C-T.
Other names: c.1523G>A, p.Arg508Lys (NM_001024688.3); short protein forms R508K, R590K.
Identifiers: ClinVar variation 2108103 (VCV002108103.4), dbSNP rs1563524967, ClinGen allele CA371655133.

ClinVar aggregate classification (germline): Uncertain significance (1 of 4 stars; one submission).

Conditions:
Microcephaly, normal intelligence and immunodeficiency (NBS). Also called: IMMUNODEFICIENCY, MICROCEPHALY, AND CHROMOSOMAL INSTABILITY; Immunodeficiency, microcephaly with normal intelligence; BERLIN BREAKAGE SYNDROME; SEEMANOVA SYNDROME II; Ataxia telangiectasia variant V1; Nijmegen breakage syndrome. Identifiers: Orphanet 647, MedGen C0398791, MONDO:0009623, OMIM 251260.

Submission:

Labcorp Genetics (formerly Invitae), Labcorp
Classification: Uncertain significance for Microcephaly, normal intelligence and immunodeficiency. Last evaluated: 2022-03-09. Review status: criteria provided, single submitter. Criteria: Invitae Variant Classification Sherloc (09022015). Collection method: clinical testing. Allele origin: germline.
Comment: This sequence change replaces arginine, which is basic and polar, with lysine, which is basic and polar, at codon 590 of the NBN protein (p.Arg590Lys). This variant is not present in population databases (gnomAD no frequency). In summary, the available evidence is currently insufficient to determine the role of this variant in disease. Therefore, it has been classified as a Variant of Uncertain Significance. Algorithms developed to predict the effect of missense changes on protein structure and function output the following: SIFT: "Tolerated"; PolyPhen-2: "Benign"; Align-GVGD: "Class C0". The lysine amino acid residue is found in multiple mammalian species, which suggests that this missense change does not adversely affect protein function. This variant has not been reported in the literature in individuals affected with NBN-related conditions.